The following is an entry in ClinVar:

ClinVar aggregate classification (germline): Likely benign (1 of 4 stars; one submission).

Conditions:
TMEM67-related disorder. Also called: TMEM67-related condition; TMEM67-related disorders. Identifiers: MedGen CN239423.

gnomAD v4.1: 6 of 1,568,926 alleles (0.00038%); highest among the groups gnomAD compares: Admixed American, 0.01%; no homozygotes.

Submission:

PreventionGenetics, part of Exact Sciences
Classification: Likely benign for TMEM67-related condition. Last evaluated: 2025-08-29. Review status: criteria provided, single submitter. Criteria: ACMG Guidelines, 2015. Collection method: clinical testing. Allele origin: germline.
Comment: This variant is classified as likely benign based on ACMG/AMP sequence variant interpretation guidelines (Richards et al. 2015 PMID: 25741868, with internal and published modifications).

NM_153704.6(TMEM67):c.2242-7G>C

Gene: TMEM67 (transmembrane protein 67; plus strand). Cytogenetic location: 8q22.1.
Variant type: single nucleotide variant.
Coding change: c.2242-7G>C on transcript NM_153704.6 (MANE Select); 7 bases into the intron before coding-DNA position 2242, G replaced by C.
Molecular consequence: intron variant.
Genome position (GRCh38, 1-based): chr8:93,803,597, G>C. VCF-style: chr8-93803597-G-C. GRCh37 (hg19) VCF-style: chr8-94815825-G-C.
Other names: c.1999-7G>C (NM_001142301.1).
Identifiers: ClinVar variation 4978330 (VCV004978330.1).